The following is an entry in ClinVar:

ClinVar aggregate classification (germline): Likely pathogenic (1 of 4 stars; one submission).

Submission:

GeneDx
Classification: Likely pathogenic. Last evaluated: 2017-07-12. Review status: criteria provided, single submitter. Criteria: GeneDx Variant Classification (06012015). Collection method: clinical testing. Allele origin: germline. Affected: yes.
Comment: The K300X variant in the LEMD3 gene has not been reported previously as a pathogenic variant nor as a benign variant, to our knowledge. This variant is predicted to cause loss of normal protein function either through protein truncation or nonsense-mediated mRNA decay. The K300X variant is not observed in large population cohorts (Lek et al., 2016; 1000 Genomes Consortium et al., 2015; Exome Variant Server). We interpret K300X as a likely pathogenic variant.

NM_014319.5(LEMD3):c.898A>T (p.Lys300Ter)

Gene: LEMD3 (LEM domain containing 3; plus strand). Cytogenetic location: 12q14.3.
Variant type: single nucleotide variant.
Coding change: c.898A>T on transcript NM_014319.5 (MANE Select); coding-DNA position 898, A replaced by T.
Protein change: p.Lys300Ter; replaces lysine 300 with a stop codon.
Molecular consequence: nonsense.
Genome position (GRCh38, 1-based): chr12:65,170,494, A>T. VCF-style: chr12-65170494-A-T. GRCh37 (hg19) VCF-style: chr12-65564274-A-T.
Other names: c.898A>T, p.Lys300Ter (NM_001167614.2); short protein forms K300*.
Identifiers: ClinVar variation 450089 (VCV000450089.2), dbSNP rs1415178710, ClinGen allele CA385674378.